The following is an entry in ClinVar:

ClinVar aggregate classification (germline): Uncertain significance (1 of 4 stars; one submission).

Conditions:
Atrioventricular septal defect 4 (AVSD4). Identifiers: MedGen C3280781, MONDO:0013747, OMIM 614430.

Submission:

Labcorp Genetics (formerly Invitae), Labcorp
Classification: Uncertain significance for Atrioventricular septal defect 4. Last evaluated: 2021-08-26. Review status: criteria provided, single submitter. Criteria: Invitae Variant Classification Sherloc (09022015). Collection method: clinical testing. Allele origin: germline.
Comment: This sequence change replaces glycine with cysteine at codon 249 of the GATA4 protein (p.Gly249Cys). The glycine residue is highly conserved and there is a large physicochemical difference between glycine and cysteine. This variant is not present in population databases (ExAC no frequency). This variant has not been reported in the literature in individuals affected with GATA4-related conditions. Algorithms developed to predict the effect of missense changes on protein structure and function are either unavailable or do not agree on the potential impact of this missense change (SIFT: "Deleterious"; PolyPhen-2: "Probably Damaging"; Align-GVGD: "Class C15"). In summary, the available evidence is currently insufficient to determine the role of this variant in disease. Therefore, it has been classified as a Variant of Uncertain Significance.

NM_001308093.3(GATA4):c.748G>T (p.Gly250Cys)

Gene: GATA4 (GATA binding protein 4). Cytogenetic location: 8p23.1.
Variant type: single nucleotide variant.
Coding change: c.748G>T on transcript NM_001308093.3 (MANE Select); coding-DNA position 748, G replaced by T.
Protein change: p.Gly250Cys; replaces glycine 250 with cysteine.
Molecular consequence: missense variant.
Genome position (GRCh38, 1-based): chr8:11,749,047, G>T. VCF-style: chr8-11749047-G-T. GRCh37 (hg19) VCF-style: chr8-11606556-G-T.
Other names: c.127G>T, p.Gly43Cys (NM_001308094.2, NM_001374273.1, NM_001374274.1); c.745G>T, p.Gly249Cys (NM_002052.5); short protein forms G250C, G249C, G43C.
Identifiers: ClinVar variation 1377686 (VCV001377686.6), dbSNP rs1431297203, ClinGen allele CA370312814.